The following is an entry in ClinVar:

NM_001350451.2(RBFOX3):c.164C>G (p.Pro55Arg)

Gene: RBFOX3 (RNA binding fox-1 homolog 3; minus strand). Cytogenetic location: 17q25.3.
Variant type: single nucleotide variant.
Coding change: c.164C>G on transcript NM_001350451.2 (MANE Select); coding-DNA position 164, C replaced by G.
Protein change: p.Pro55Arg; replaces proline 55 with arginine.
Molecular consequence: missense variant.
Genome position (GRCh38, 1-based): chr17:79,115,552, G>C on the plus strand (C>G on the coding strand, the complement: RBFOX3 is on the minus strand). VCF-style: chr17-79115552-G-C. GRCh37 (hg19) VCF-style: chr17-77111634-G-C.
Other names: c.164C>G, p.Pro55Arg (NM_001082575.3, NM_001350453.2, NM_001385804.1 and 43 more transcripts); short protein forms P55R.
Identifiers: ClinVar variation 1494283 (VCV001494283.8), dbSNP rs2146997386, ClinGen allele CA401317955.

ClinVar aggregate classification (germline): Uncertain significance (1 of 4 stars; one submission).

Conditions:
Idiopathic generalized epilepsy. Also called: Generalised epilepsy; EIG. Identifiers: MedGen C0270850, MONDO:0005579, OMIM 600669.

Submission:

Labcorp Genetics (formerly Invitae), Labcorp
Classification: Uncertain significance for Idiopathic generalized epilepsy. Last evaluated: 2022-02-02. Review status: criteria provided, single submitter. Criteria: Invitae Variant Classification Sherloc (09022015). Collection method: clinical testing. Allele origin: germline.
Comment: In summary, the available evidence is currently insufficient to determine the role of this variant in disease. Therefore, it has been classified as a Variant of Uncertain Significance. Algorithms developed to predict the effect of missense changes on protein structure and function (SIFT, PolyPhen-2, Align-GVGD) all suggest that this variant is likely to be tolerated. This variant has not been reported in the literature in individuals affected with RBFOX3-related conditions. This variant is not present in population databases (gnomAD no frequency). This sequence change replaces proline, which is neutral and non-polar, with arginine, which is basic and polar, at codon 55 of the RBFOX3 protein (p.Pro55Arg).